The following is an entry in ClinVar:

ClinVar aggregate classification (germline): Uncertain significance (1 of 4 stars; one submission).

Conditions:
Charcot-Marie-Tooth disease axonal type 2V. Also called: CHARCOT-MARIE-TOOTH NEUROPATHY, TYPE 2V; CHARCOT-MARIE-TOOTH DISEASE, AXONAL, AUTOSOMAL DOMINANT, TYPE 2V. Identifiers: Orphanet 447964, MedGen C5569050, MONDO:0014665, OMIM 616491.
Mucopolysaccharidosis, MPS-III-B (MPS3B). Also called: N-ACETYL-ALPHA-D-GLUCOSAMINIDASE DEFICIENCY; NAGLU DEFICIENCY; SANFILIPPO SYNDROME B; MPS III B; MUCOPOLYSACCHARIDOSIS, TYPE IIIB; MPS IIIB (Sanfilippo Syndrome Type B). Identifiers: Orphanet 79270, MedGen C0086648, MONDO:0009656, OMIM 252920.

Submission:

Labcorp Genetics (formerly Invitae), Labcorp
Classification: Uncertain significance for Charcot-Marie-Tooth disease axonal type 2V; Mucopolysaccharidosis, MPS-III-B. Last evaluated: 2022-06-26. Review status: criteria provided, single submitter. Criteria: Invitae Variant Classification Sherloc (09022015). Collection method: clinical testing. Allele origin: germline.
Comment: In summary, the available evidence is currently insufficient to determine the role of this variant in disease. Therefore, it has been classified as a Variant of Uncertain Significance. Experimental studies have shown that this missense change affects NAGLU function (PMID: 14984474). Advanced modeling of protein sequence and biophysical properties (such as structural, functional, and spatial information, amino acid conservation, physicochemical variation, residue mobility, and thermodynamic stability) performed at Invitae indicates that this missense variant is expected to disrupt NAGLU protein function. This missense change has been observed in individual(s) with mucopolysaccharidosis IIIB (PMID: 14984474). This variant is not present in population databases (gnomAD no frequency). This sequence change replaces leucine, which is neutral and non-polar, with proline, which is neutral and non-polar, at codon 242 of the NAGLU protein (p.Leu242Pro).

Literature cited by the submitters: PubMed 14984474.

NM_000263.4(NAGLU):c.725T>C (p.Leu242Pro)

Gene: NAGLU (N-acetyl-alpha-glucosaminidase; plus strand). Cytogenetic location: 17q21.2.
Variant type: single nucleotide variant.
Coding change: c.725T>C on transcript NM_000263.4 (MANE Select); coding-DNA position 725, T replaced by C.
Protein change: p.Leu242Pro; replaces leucine 242 with proline.
Molecular consequence: missense variant.
Genome position (GRCh38, 1-based): chr17:42,538,716, T>C. VCF-style: chr17-42538716-T-C. GRCh37 (hg19) VCF-style: chr17-40690734-T-C.
Other names: short protein forms L242P.
Identifiers: ClinVar variation 2138024 (VCV002138024.4), dbSNP rs2510653875, ClinGen allele CA399599010.
Genomic context (GRCh38, chr17:42,538,716, plus strand): 5'-TTCTGTTCCTCCAGCACCGGGTCCTGGACCAGATGCGCTCCTTCGGCATGACCCCAGTGC[T>C]GCCTGCATTCGCGGGGCATGTTCCCGAGGCTGTCACCAGGTGAGGTTCCGCTCACCCCCT-3'
Protein context (NP_000254.2, residues 232-252): QMRSFGMTPV[Leu242Pro]PAFAGHVPEA